The following is an entry in ClinVar:

ClinVar aggregate classification (germline): Uncertain significance. Review status: criteria provided, multiple submitters, no conflicts (2 of 4 stars). 2 submissions from 2 submitters: Uncertain significance (2). Last evaluated 2025-11-08.

Conditions:
Inborn genetic diseases. Identifiers: MedGen C0950123, MeSH D030342.
Hereditary spastic paraplegia 11. Also called: Spastic Paraplegia 11; SPASTIC PARAPLEGIA, AUTOSOMAL RECESSIVE, COMPLICATED, WITH THIN CORPUS CALLOSUM; SPASTIC PARAPLEGIA, AUTOSOMAL RECESSIVE, WITH MENTAL IMPAIRMENT AND THIN CORPUS CALLOSUM; Spastic paraplegia, mental retardation and thin corpus callosum; Nakamura Osame syndrome; Autosomal recessive hereditary spastic paraplegia, mental impairment, and thin corpus callosum. Identifiers: Orphanet 2822, MedGen C1858479, MONDO:0011445, OMIM 604360.

Allele frequency attached by ClinVar (database versions not stated): gnomAD 0.00001; TOPMed 0.00002; ESP Exome Variant Server 0.00008.
gnomAD v4.1: 5 of 1,613,288 alleles (0.00031%); highest among the groups gnomAD compares: Non-Finnish European, 0.00042%; no homozygotes.

Submissions (2):

Ambry Genetics
Classification: Uncertain significance for Inborn genetic diseases. Last evaluated: 2025-11-08. Review status: criteria provided, single submitter. Criteria: Ambry Variant Classification Scheme 2023. Collection method: clinical testing. Allele origin: germline.

Labcorp Genetics (formerly Invitae), Labcorp
Classification: Uncertain significance for Hereditary spastic paraplegia 11. Last evaluated: 2021-09-01. Review status: criteria provided, single submitter. Criteria: Invitae Variant Classification Sherloc (09022015). Collection method: clinical testing. Allele origin: germline.
Comment: This sequence change replaces threonine with isoleucine at codon 2391 of the SPG11 protein (p.Thr2391Ile). The threonine residue is moderately conserved and there is a moderate physicochemical difference between threonine and isoleucine. This variant is not present in population databases (ExAC no frequency). This variant has not been reported in the literature in individuals affected with SPG11-related conditions. Algorithms developed to predict the effect of missense changes on protein structure and function are either unavailable or do not agree on the potential impact of this missense change (SIFT: "Deleterious"; PolyPhen-2: "Probably Damaging"; Align-GVGD: "Class C0"). In summary, the available evidence is currently insufficient to determine the role of this variant in disease. Therefore, it has been classified as a Variant of Uncertain Significance.

NM_025137.4(SPG11):c.7172C>T (p.Thr2391Ile)

Gene: SPG11 (SPG11 vesicle trafficking associated, spatacsin; minus strand). Cytogenetic location: 15q21.1.
Variant type: single nucleotide variant.
Coding change: c.7172C>T on transcript NM_025137.4 (MANE Select); coding-DNA position 7172, C replaced by T.
Protein change: p.Thr2391Ile; replaces threonine 2391 with isoleucine.
Molecular consequence: missense variant.
Genome position (GRCh38, 1-based): chr15:44,563,281, G>A on the plus strand (C>T on the coding strand, the complement: SPG11 is on the minus strand). VCF-style: chr15-44563281-G-A. GRCh37 (hg19) VCF-style: chr15-44855479-G-A.
Other names: c.6833C>T, p.Thr2278Ile (NM_001160227.2); short protein forms T2278I, T2391I.
Identifiers: ClinVar variation 651854 (VCV000651854.7), dbSNP rs375508694, ClinGen allele CA270056217.